The following is an entry in ClinVar:

ClinVar aggregate classification (germline): Uncertain significance. Review status: criteria provided, multiple submitters, no conflicts (2 of 4 stars). 2 submissions from 2 submitters: Uncertain significance (2). Last evaluated 2026-01-19.

Conditions:
Hereditary cancer-predisposing syndrome. Also called: Neoplastic Syndromes, Hereditary; Tumor predisposition; Hereditary neoplastic syndrome; Hereditary Cancer Syndrome. Identifiers: Orphanet 140162, MedGen C0027672, MeSH D009386, MONDO:0015356.

Submissions (2):

Labcorp Genetics (formerly Invitae), Labcorp
Classification: Uncertain significance. Last evaluated: 2026-01-19. Review status: criteria provided, single submitter. Criteria: Invitae Variant Classification Sherloc (09022015). Collection method: clinical testing. Allele origin: germline.
Comment: This sequence change replaces glycine, which is neutral and non-polar, with alanine, which is neutral and non-polar, at codon 1262 of the POLE protein (p.Gly1262Ala). This variant is not present in population databases (gnomAD no frequency). This variant has not been reported in the literature in individuals affected with POLE-related conditions. ClinVar contains an entry for this variant (Variation ID: 839624). Invitae Evidence Modeling of protein sequence and biophysical properties (such as structural, functional, and spatial information, amino acid conservation, physicochemical variation, residue mobility, and thermodynamic stability) indicates that this missense variant is not expected to disrupt POLE protein function with a negative predictive value of 80%. In summary, the available evidence is currently insufficient to determine the role of this variant in disease. Therefore, it has been classified as a Variant of Uncertain Significance.

Ambry Genetics
Classification: Uncertain significance for Hereditary cancer-predisposing syndrome. Last evaluated: 2025-03-18. Review status: criteria provided, single submitter. Criteria: Ambry Variant Classification Scheme 2023. Collection method: clinical testing. Allele origin: germline.
Comment: The p.G1262A variant (also known as c.3785G>C), located in coding exon 30 of the POLE gene, results from a G to C substitution at nucleotide position 3785. The glycine at codon 1262 is replaced by alanine, an amino acid with similar properties. This amino acid position is conserved. In addition, the in silico prediction for this alteration is inconclusive. Based on the available evidence, the clinical significance of this variant remains unclear.

NM_006231.4(POLE):c.3785G>C (p.Gly1262Ala)

Gene: POLE (DNA polymerase epsilon, catalytic subunit; minus strand). Cytogenetic location: 12q24.33.
Variant type: single nucleotide variant.
Coding change: c.3785G>C on transcript NM_006231.4 (MANE Select); coding-DNA position 3785, G replaced by C.
Protein change: p.Gly1262Ala; replaces glycine 1262 with alanine.
Molecular consequence: missense variant.
Genome position (GRCh38, 1-based): chr12:132,649,687, C>G on the plus strand (G>C on the coding strand, the complement: POLE is on the minus strand). VCF-style: chr12-132649687-C-G. GRCh37 (hg19) VCF-style: chr12-133226273-C-G.
Other names: short protein forms G1262A.
Identifiers: ClinVar variation 839624 (VCV000839624.13), dbSNP rs2042375548, ClinGen allele CA387385926.